The following is an entry in ClinVar:

NM_206933.4(USH2A):c.127G>A (p.Val43Met)

Gene: USH2A (usherin; minus strand). Cytogenetic location: 1q41.
Variant type: single nucleotide variant.
Coding change: c.127G>A on transcript NM_206933.4 (MANE Select); coding-DNA position 127, G replaced by A.
Protein change: p.Val43Met; replaces valine 43 with methionine.
Molecular consequence: missense variant.
Genome position (GRCh38, 1-based): chr1:216,422,210, C>T on the plus strand (G>A on the coding strand, the complement: USH2A is on the minus strand). VCF-style: chr1-216422210-C-T. GRCh37 (hg19) VCF-style: chr1-216595552-C-T.
Other names: c.127G>A, p.Val43Met (NM_007123.6); c.127G>A (NM_206933.1); short protein forms V43M.
Identifiers: ClinVar variation 847791 (VCV000847791.15), dbSNP rs147421006, ClinGen allele CA1396851.

ClinVar aggregate classification (germline): Conflicting classifications of pathogenicity. Review status: criteria provided, conflicting classifications (1 of 4 stars). 10 submissions from 9 submitters: Likely pathogenic (1); Uncertain significance (8). 1 of the submissions does not count toward it. Last evaluated 2026-09-23.

Conditions:
Retinitis pigmentosa 39 (RP39). Identifiers: Orphanet 791, MedGen C3151138, MONDO:0013436, OMIM 613809.
Usher syndrome type 2A. Also called: USHER SYNDROME, TYPE IIA; RETINAL DISEASE IN USHER SYNDROME TYPE IIA, MODIFIER OF. Identifiers: Orphanet 231178, Orphanet 886, MedGen C1848634, MONDO:0010169, OMIM 276901.
USH2A-related disorder. Also called: USH2A-related condition; USH2A-related disorders. Identifiers: MedGen CN239332.

Allele frequency attached by ClinVar (database versions not stated): gnomAD exomes 0.00002 and 0.00004; ExAC 0.00004; gnomAD 0.00014; TOPMed 0.00018; ESP Exome Variant Server 0.00023.

Submissions (10):

PreventionGenetics, part of Exact Sciences
Classification: Uncertain significance for USH2A-related condition. Last evaluated: 2026-09-23. Review status: criteria provided, single submitter. Criteria: ACMG Guidelines, 2015. Collection method: clinical testing. Allele origin: germline.
Comment: The USH2A c.127G>A variant is predicted to result in the amino acid substitution p.Val43Met. To our knowledge, this variant has not been reported in the literature. This variant is reported in 0.036% of alleles in individuals of African descent in gnomAD. At this time, the clinical significance of this variant is uncertain due to the absence of conclusive functional and genetic evidence.

Women's Health and Genetics/Laboratory Corporation of America, LabCorp
Classification: Uncertain significance. Last evaluated: 2026-05-18. Review status: criteria provided, single submitter. Criteria: LabCorp Variant Classification Summary - May 2015. Collection method: clinical testing. Allele origin: germline.
Comment: Variant summary: USH2A c.127G>A (p.Val43Met) results in a conservative amino acid change in the encoded protein sequence. Algorithms developed to predict the effect of missense changes on protein structure and function are either unavailable or do not agree on the potential impact of this missense change. The variant allele was found at a frequency of 3.6e-05 in 250364 control chromosomes. The available data on variant occurrences in the general population are insufficient to allow any conclusion about variant significance. To our knowledge, no occurrence of c.127G>A in individuals affected with USH2A-related conditions and no experimental evidence demonstrating its impact on protein function have been reported. ClinVar contains an entry for this variant (Variation ID: 847791). Based on the evidence outlined above, the variant was classified as uncertain significance.

Myriad Genetics, Inc.
Classification: Uncertain significance for USH2A-related disorder. Last evaluated: 2025-10-29. Review status: criteria provided, single submitter. Criteria: Myriad Autosomal Dominant, Autosomal Recessive and X-Linked Classification Criteria (2023). Collection method: clinical testing. Allele origin: unknown.
Comment: NM_206933.2(USH2A):c.127G>A(V43M) is a missense variant classified as a variant of uncertain significance in the context of USH2A-related disorders. V43M has not been observed in cases with relevant disease. Relevant functional assessments of this variant are not available in the literature. V43M has been observed in referenced population frequency databases. In summary, there is insufficient evidence to classify NM_206933.2(USH2A):c.127G>A(V43M) as pathogenic or benign. Please note: this variant was assessed in the context of healthy population screening.

GeneDx
Classification: Uncertain significance. Last evaluated: 2024-11-01. Review status: criteria provided, single submitter. Criteria: GeneDx Variant Classification Process June 2021. Collection method: clinical testing. Allele origin: germline. Affected: yes.
Comment: In silico analysis indicates that this missense variant does not alter protein structure/function; Has not been previously published as pathogenic or benign to our knowledge

Wonkam Laboratory, Johns Hopkins University
Classification: Likely pathogenic for Usher syndrome type 2A. Last evaluated: 2024-01-06. Review status: criteria provided, single submitter. Criteria: ACMG Guidelines, 2015. Collection method: research. Allele origin: germline. Inheritance: Autosomal recessive inheritance. Affected: yes. Observed: 2 variant alleles.
Comment: This USH2A c.127G>A (NM_206933.1) is located in a mutational hot spot and/or critical and well-established functional domain (e.g., active site of an enzyme) without benign variation on NM_206933.1 (PM1), the absent from controls (or at extremely low frequency if recessive) in Exome Sequencing Project, 1000 Genomes Project, or Exome Aggregation Consortium (PM2), patient's phenotype or family history is highly specific for a disease with a single genetic etiology (PP4), missense variant in a gene for which primarily truncating variants are known to cause disease (BP1)

Genome-Nilou Lab
Classification: Uncertain significance for Retinitis pigmentosa 39. Last evaluated: 2023-11-04. Review status: criteria provided, single submitter. Criteria: ACMG Guidelines, 2015. Collection method: clinical testing. Allele origin: germline. Affected: no.

Genome-Nilou Lab
Classification: Uncertain significance for Usher syndrome type 2A. Last evaluated: 2023-11-04. Review status: criteria provided, single submitter. Criteria: ACMG Guidelines, 2015. Collection method: clinical testing. Allele origin: germline. Affected: no.

Blueprint Genetics
Classification: Uncertain significance. Last evaluated: 2023-07-18. Review status: criteria provided, single submitter. Criteria: ACMG Guidelines, 2015. Collection method: clinical testing. Allele origin: germline.

Labcorp Genetics (formerly Invitae), Labcorp
Classification: Uncertain significance. Last evaluated: 2022-07-05. Review status: criteria provided, single submitter. Criteria: Invitae Variant Classification Sherloc (09022015). Collection method: clinical testing. Allele origin: germline.
Comment: This sequence change replaces valine, which is neutral and non-polar, with methionine, which is neutral and non-polar, at codon 43 of the USH2A protein (p.Val43Met). This variant is present in population databases (rs147421006, gnomAD 0.04%). This variant has not been reported in the literature in individuals affected with USH2A-related conditions. ClinVar contains an entry for this variant (Variation ID: 847791). Algorithms developed to predict the effect of missense changes on protein structure and function are either unavailable or do not agree on the potential impact of this missense change (SIFT: "Deleterious"; PolyPhen-2: "Possibly Damaging"; Align-GVGD: "Class C0"). In summary, the available evidence is currently insufficient to determine the role of this variant in disease. Therefore, it has been classified as a Variant of Uncertain Significance.

Natera, Inc.
Classification: Uncertain significance for Usher syndrome type 2A. Last evaluated: 2020-01-17. Review status: no assertion criteria provided. Collection method: clinical testing. Allele origin: germline. Not counted in ClinVar's aggregate classification.